The following is an entry in ClinVar:

NM_000057.4(BLM):c.3011T>A (p.Leu1004His)

Gene: BLM (BLM RecQ like helicase; plus strand). Cytogenetic location: 15q26.1.
Variant type: single nucleotide variant.
Coding change: c.3011T>A on transcript NM_000057.4 (MANE Select); coding-DNA position 3011, T replaced by A.
Protein change: p.Leu1004His; replaces leucine 1004 with histidine.
Molecular consequence: missense variant.
Genome position (GRCh38, 1-based): chr15:90,790,836, T>A. VCF-style: chr15-90790836-T-A. GRCh37 (hg19) VCF-style: chr15-91334066-T-A.
Other names: c.3011T>A, p.Leu1004His (NM_001287246.2, NM_001287247.2); c.1886T>A, p.Leu629His (NM_001287248.2); short protein forms L629H, L1004H.
Identifiers: ClinVar variation 1410176 (VCV001410176.6), dbSNP rs2151184755, ClinGen allele CA393846612.

ClinVar aggregate classification (germline): Uncertain significance (1 of 4 stars; one submission).

Conditions:
Bloom syndrome (BLM). Also called: Bloom-Torre-Machacek syndrome. Identifiers: Orphanet 125, MedGen C0005859, MONDO:0008876, OMIM 210900.

Submission:

Labcorp Genetics (formerly Invitae), Labcorp
Classification: Uncertain significance for Bloom syndrome. Last evaluated: 2023-12-11. Review status: criteria provided, single submitter. Criteria: Invitae Variant Classification Sherloc (09022015). Collection method: clinical testing. Allele origin: germline.
Comment: This sequence change replaces leucine, which is neutral and non-polar, with histidine, which is basic and polar, at codon 1004 of the BLM protein (p.Leu1004His). This variant is not present in population databases (gnomAD no frequency). This variant has not been reported in the literature in individuals affected with BLM-related conditions. ClinVar contains an entry for this variant (Variation ID: 1410176). Advanced modeling of protein sequence and biophysical properties (such as structural, functional, and spatial information, amino acid conservation, physicochemical variation, residue mobility, and thermodynamic stability) performed at Invitae indicates that this missense variant is expected to disrupt BLM protein function with a positive predictive value of 80%. In summary, the available evidence is currently insufficient to determine the role of this variant in disease. Therefore, it has been classified as a Variant of Uncertain Significance.